The following is an entry in ClinVar:

NM_000282.4(PCCA):c.468+1G>A

Gene: PCCA (propionyl-CoA carboxylase subunit alpha; plus strand). Cytogenetic location: 13q32.3.
Variant type: single nucleotide variant.
Coding change: c.468+1G>A on transcript NM_000282.4 (MANE Select); the canonical splice donor site of the intron after coding-DNA position 468, G replaced by A.
Molecular consequence: splice donor variant.
Genome position (GRCh38, 1-based): chr13:100,157,341, G>A. VCF-style: chr13-100157341-G-A. GRCh37 (hg19) VCF-style: chr13-100809595-G-A.
Other names: c.468+1G>A (NM_001178004.2, NM_001352605.2, NM_001352606.2 and 1 more transcripts); c.-399+1G>A (NM_001352610.2, NM_001352611.2, NM_001352612.2); c.390+1G>A (NM_001127692.3, NM_001352607.2, NM_001352608.2).
Identifiers: ClinVar variation 997844 (VCV000997844.1), dbSNP rs766139678, ClinGen allele CA388693928.

ClinVar aggregate classification (germline): Pathogenic (1 of 4 stars; one submission).

Conditions:
Propionic acidemia (PROP). Also called: GLYCINEMIA, KETOTIC; HYPERGLYCINEMIA WITH KETOACIDOSIS AND LEUKOPENIA; KETOTIC HYPERGLYCINEMIA. Identifiers: Orphanet 35, MedGen C0268579, MONDO:0011628, OMIM 606054, HP:0003571.

Submission:

Laboratory of Inherited Metabolic Diseases, Research centre for medical genetics
Classification: Pathogenic for Propionic acidemia. Last evaluated: 2021-02-17. Review status: criteria provided, single submitter. Criteria: ACMG Guidelines, 2015. Collection method: research, in vitro. Allele origin: germline, not applicable. Affected: yes.
Comment: PVS1, PM2, PM3, PP4